The following is an entry in ClinVar:

ClinVar aggregate classification (germline): Uncertain significance. Review status: criteria provided, multiple submitters, no conflicts (2 of 4 stars). 2 submissions from 2 submitters: Uncertain significance (2). Last evaluated 2025-08-08.

Conditions:
Inborn genetic diseases. Identifiers: MedGen C0950123, MeSH D030342.

Allele frequency attached by ClinVar (database versions not stated): ExAC 0.00002; gnomAD exomes below 0.00001.
gnomAD v4.1: 5 of 1,610,798 alleles (0.00031%); highest among the groups gnomAD compares: Admixed American, 0.005%; no homozygotes.

Submissions (2):

Ambry Genetics
Classification: Uncertain significance for Inborn genetic diseases. Last evaluated: 2025-08-08. Review status: criteria provided, single submitter. Criteria: Ambry Variant Classification Scheme 2023. Collection method: clinical testing. Allele origin: germline.

Labcorp Genetics (formerly Invitae), Labcorp
Classification: Uncertain significance. Last evaluated: 2025-02-24. Review status: criteria provided, single submitter. Criteria: Invitae Variant Classification Sherloc (09022015). Collection method: clinical testing. Allele origin: germline.
Comment: This sequence change replaces valine, which is neutral and non-polar, with leucine, which is neutral and non-polar, at codon 240 of the ZBTB20 protein (p.Val240Leu). This variant is present in population databases (rs749811091, gnomAD 0.009%). This variant has not been reported in the literature in individuals affected with ZBTB20-related conditions. ClinVar contains an entry for this variant (Variation ID: 2900937). Invitae Evidence Modeling of protein sequence and biophysical properties (such as structural, functional, and spatial information, amino acid conservation, physicochemical variation, residue mobility, and thermodynamic stability) indicates that this missense variant is not expected to disrupt ZBTB20 protein function with a negative predictive value of 95%. In summary, the available evidence is currently insufficient to determine the role of this variant in disease. Therefore, it has been classified as a Variant of Uncertain Significance.

NM_001348800.3(ZBTB20):c.718G>T (p.Val240Leu)

Gene: ZBTB20 (zinc finger and BTB domain containing 20; minus strand). Cytogenetic location: 3q13.31.
Variant type: single nucleotide variant.
Coding change: c.718G>T on transcript NM_001348800.3 (MANE Select); coding-DNA position 718, G replaced by T.
Protein change: p.Val240Leu; replaces valine 240 with leucine.
Molecular consequence: missense variant.
Genome position (GRCh38, 1-based): chr3:114,351,360, C>A on the plus strand (G>T on the coding strand, the complement: ZBTB20 is on the minus strand). VCF-style: chr3-114351360-C-A. GRCh37 (hg19) VCF-style: chr3-114070207-C-A.
Other names: c.718G>T, p.Val240Leu (NM_001164342.2, NM_001348803.3, NM_001393393.1 and 1 more transcripts); c.499G>T, p.Val167Leu (NM_001164343.2, NM_001164344.4, NM_001164345.4 and 9 more transcripts); c.718G>T (NM_001164342.1); short protein forms V167L, V240L.
Identifiers: ClinVar variation 2900937 (VCV002900937.4), dbSNP rs749811091, ClinGen allele CA2551394.